The following is an entry in ClinVar:

ClinVar aggregate classification (germline): Pathogenic (1 of 4 stars; one submission).

Conditions:
Hereditary cancer-predisposing syndrome. Also called: Neoplastic Syndromes, Hereditary; Hereditary neoplastic syndrome; Tumor predisposition; Hereditary Cancer Syndrome. Identifiers: Orphanet 140162, MedGen C0027672, MeSH D009386, MONDO:0015356.

Submission:

Ambry Genetics
Classification: Pathogenic for Hereditary cancer-predisposing syndrome. Last evaluated: 2017-08-02. Review status: criteria provided, single submitter. Criteria: Ambry Variant Classification Scheme 2023. Collection method: clinical testing. Allele origin: germline.
Comment: The c.1724delC pathogenic mutation, located in coding exon 13 of the TSC1 gene, results from a deletion of one nucleotide at nucleotide position 1724, causing a translational frameshift with a predicted alternate stop codon (p.S575Ffs*54). This alteration is expected to result in loss of function by premature protein truncation or nonsense-mediated mRNA decay. As such, this alteration is interpreted as a disease-causing mutation.

NM_000368.5(TSC1):c.1724del (p.Ser575fs)

Gene: TSC1 (TSC complex subunit 1; minus strand). Cytogenetic location: 9q34.13.
Variant type: Deletion.
Coding change: c.1724del on transcript NM_000368.5 (MANE Select); coding-DNA position 1724, one base deleted (C; older notation c.1724delC).
Protein change: p.Ser575fs; shifts the reading frame from serine 575.
Molecular consequence: frameshift variant.
Genome position (GRCh38, 1-based): chr9:132,905,854, G deleted on the plus strand (C on the coding strand, the reverse complement: TSC1 is on the minus strand). VCF-style (leftmost placement, unchanged base first): chr9-132905853-AG-A. GRCh37 (hg19) VCF-style: chr9-135781240-AG-A.
Other names: c.1724delC (NM_000368.4); c.1721del, p.Ser574fs (NM_001162426.2); c.1571del, p.Ser524fs (NM_001162427.2); c.1361del, p.Ser454fs (NM_001362177.2); short protein forms S454fs, S524fs, S575fs, S574fs.
Identifiers: ClinVar variation 521557 (VCV000521557.5), dbSNP rs1554815889, ClinGen allele CA658797319.